The following is an entry in ClinVar:

ClinVar aggregate classification (germline): Uncertain significance (1 of 4 stars; one submission).

Conditions:
Capillary malformation-arteriovenous malformation syndrome. Also called: Capillary malformation-arteriovenous malformation. Identifiers: Orphanet 137667, MedGen C1842180, MONDO:0012016.

gnomAD v4.1: 4 of 1,614,118 alleles (0.00025%); highest among the groups gnomAD compares: Admixed American, 0.0017%; no homozygotes.

Submission:

Labcorp Genetics (formerly Invitae), Labcorp
Classification: Uncertain significance for Capillary malformation-arteriovenous malformation syndrome. Last evaluated: 2025-08-10. Review status: criteria provided, single submitter. Criteria: Invitae Variant Classification Sherloc (09022015). Collection method: clinical testing. Allele origin: germline.
Comment: This sequence change replaces leucine, which is neutral and non-polar, with phenylalanine, which is neutral and non-polar, at codon 980 of the RASA1 protein (p.Leu980Phe). This variant is not present in population databases (gnomAD no frequency). This variant has not been reported in the literature in individuals affected with RASA1-related conditions. ClinVar contains an entry for this variant (Variation ID: 3705884). An algorithm developed to predict the effect of missense changes on protein structure and function (PolyPhen-2) suggests that this variant is likely to be disruptive. In summary, the available evidence is currently insufficient to determine the role of this variant in disease. Therefore, it has been classified as a Variant of Uncertain Significance.

NM_002890.3(RASA1):c.2938C>T (p.Leu980Phe)

Genes: CCNH (cyclin H; minus strand), RASA1 (RAS p21 protein activator 1; plus strand). Cytogenetic location: 5q14.3.
Variant type: single nucleotide variant.
Coding change: c.2938C>T on transcript NM_002890.3 (MANE Select); coding-DNA position 2938, C replaced by T.
Protein change: p.Leu980Phe; replaces leucine 980 with phenylalanine.
Molecular consequence: missense variant. On other transcripts: intron variant (1).
Genome position (GRCh38, 1-based): chr5:87,389,405, C>T. VCF-style: chr5-87389405-C-T. GRCh37 (hg19) VCF-style: chr5-86685222-C-T.
Other names: c.2407C>T, p.Leu803Phe (NM_022650.3); c.933+5639G>A (NM_001364075.2); short protein forms L803F, L980F.
Identifiers: ClinVar variation 3705884 (VCV003705884.2).